The following is an entry in ClinVar:

NM_176787.5(PIGN):c.805+1G>T

Gene: PIGN (phosphatidylinositol glycan anchor biosynthesis class N; minus strand). Cytogenetic location: 18q21.33.
Variant type: single nucleotide variant.
Coding change: c.805+1G>T on transcript NM_176787.5 (MANE Select); the canonical splice donor site of the intron after coding-DNA position 805, G replaced by T.
Molecular consequence: splice donor variant.
Genome position (GRCh38, 1-based): chr18:62,146,970, C>A on the plus strand (G>T on the coding strand, the complement: PIGN is on the minus strand). VCF-style: chr18-62146970-C-A. GRCh37 (hg19) VCF-style: chr18-59814203-C-A.
Other names: c.805+1G>T (NM_001438910.1, NM_012327.6, NM_001438896.1 and 2 more transcripts).
Identifiers: ClinVar variation 4855812 (VCV004855812.1).

ClinVar aggregate classification (germline): Likely pathogenic (1 of 4 stars; one submission).

Conditions:
Multiple congenital anomalies-hypotonia-seizures syndrome 1 (MCAHS1). Also called: GLYCOSYLPHOSPHATIDYLINOSITOL BIOSYNTHESIS DEFECT 3; PIGN-CDG; Congenital disorder of glycosylation due to PIGN deficiency. Identifiers: Orphanet 280633, MedGen C3279775, MONDO:0013563, OMIM 614080.

gnomAD v4.1: 3 of 1,611,050 alleles (0.00019%); highest among the groups gnomAD compares: Admixed American, 0.0017%; no homozygotes.

Submission:

3billion
Classification: Likely pathogenic for Multiple congenital anomalies-hypotonia-seizures syndrome 1. Last evaluated: 2025-07-08. Review status: criteria provided, single submitter. Criteria: ACMG Guidelines, 2015. Collection method: clinical testing. Allele origin: germline. Affected: yes.
Comment: The variant is observed at an extremely low frequency in the gnomAD v4.1.0 dataset (total allele frequency: <0.001%). Predicted Consequence/Location: Canonical splice site: predicted to alter splicing and result in a loss or disruption of normal protein function. Multiple pathogenic loss-of-function variants are reported downstream of the variant. Therefore, this variant is classified as Likely pathogenic according to the recommendation of ACMG/AMP guideline.